The following is an entry in ClinVar:

ClinVar aggregate classification (germline): Uncertain significance (1 of 4 stars; one submission).

Conditions:
Neuropathy, hereditary sensory and autonomic, type 2A (HSAN2A). Also called: ACROOSTEOLYSIS, GIACCAI TYPE; ACROOSTEOLYSIS, NEUROGENIC; WNK1-Related HSAN2 (HSAN2A); HSAN IIA; MORVAN DISEASE; NEUROPATHY, CONGENITAL SENSORY. Identifiers: Orphanet 970, MedGen C2752089, MONDO:0024309, OMIM 201300.
Pseudohypoaldosteronism type 2C (PHA2C). Also called: Pseudohypoaldosteronism Type IIC. Identifiers: Orphanet 757, Orphanet 88940, MedGen C1840391, MONDO:0013778, OMIM 614492.

Submission:

Labcorp Genetics (formerly Invitae), Labcorp
Classification: Uncertain significance for Neuropathy, hereditary sensory and autonomic, type 2A; Pseudohypoaldosteronism type 2C. Last evaluated: 2022-08-10. Review status: criteria provided, single submitter. Criteria: Invitae Variant Classification Sherloc (09022015). Collection method: clinical testing. Allele origin: germline.
Comment: This sequence change replaces serine, which is neutral and polar, with asparagine, which is neutral and polar, at codon 65 of the WNK1 protein (p.Ser65Asn). This variant is not present in population databases (gnomAD no frequency). In summary, the available evidence is currently insufficient to determine the role of this variant in disease. Therefore, it has been classified as a Variant of Uncertain Significance. Advanced modeling of protein sequence and biophysical properties (such as structural, functional, and spatial information, amino acid conservation, physicochemical variation, residue mobility, and thermodynamic stability) performed at Invitae indicates that this missense variant is not expected to disrupt WNK1 protein function. ClinVar contains an entry for this variant (Variation ID: 970451). This variant has not been reported in the literature in individuals affected with WNK1-related conditions.

NM_018979.4(WNK1):c.194G>A (p.Ser65Asn)

Gene: WNK1 (WNK lysine deficient protein kinase 1; plus strand). Cytogenetic location: 12p13.33.
Variant type: single nucleotide variant.
Coding change: c.194G>A on transcript NM_018979.4 (MANE Select); coding-DNA position 194, G replaced by A.
Protein change: p.Ser65Asn; replaces serine 65 with asparagine.
Molecular consequence: missense variant.
Genome position (GRCh38, 1-based): chr12:753,759, G>A. VCF-style: chr12-753759-G-A. GRCh37 (hg19) VCF-style: chr12-862925-G-A.
Other names: c.194G>A, p.Ser65Asn (NM_001184985.2, NM_014823.3, NM_213655.5); short protein forms S65N.
Identifiers: ClinVar variation 970451 (VCV000970451.9), dbSNP rs145377957, ClinGen allele CA383304197.